The following is an entry in ClinVar:

ClinVar aggregate classification (germline): Uncertain significance (1 of 4 stars; one submission).

Allele frequency attached by ClinVar (database versions not stated): gnomAD exomes below 0.00001.

Submission:

Labcorp Genetics (formerly Invitae), Labcorp
Classification: Uncertain significance. Last evaluated: 2022-04-21. Review status: criteria provided, single submitter. Criteria: Invitae Variant Classification Sherloc (09022015). Collection method: clinical testing. Allele origin: germline.
Comment: This sequence change replaces alanine, which is neutral and non-polar, with threonine, which is neutral and polar, at codon 80 of the APOC2 protein (p.Ala80Thr). This variant is not present in population databases (gnomAD no frequency). This variant has not been reported in the literature in individuals affected with APOC2-related conditions. Algorithms developed to predict the effect of missense changes on protein structure and function are either unavailable or do not agree on the potential impact of this missense change (SIFT: "Deleterious"; PolyPhen-2: "Benign"; Align-GVGD: "Class C0"). In summary, the available evidence is currently insufficient to determine the role of this variant in disease. Therefore, it has been classified as a Variant of Uncertain Significance.

NM_000483.5(APOC2):c.238G>A (p.Ala80Thr)

Genes: APOC2 (apolipoprotein C2; plus strand), APOC4-APOC2 (APOC4-APOC2 readthrough (NMD candidate); plus strand). Cytogenetic location: 19q13.32.
Variant type: single nucleotide variant.
Coding change: c.238G>A on transcript NM_000483.5 (MANE Select); coding-DNA position 238, G replaced by A.
Protein change: p.Ala80Thr; replaces alanine 80 with threonine.
Molecular consequence: missense variant. On other transcripts: non-coding transcript variant (1).
Genome position (GRCh38, 1-based): chr19:44,949,181, G>A. VCF-style: chr19-44949181-G-A. GRCh37 (hg19) VCF-style: chr19-45452438-G-A.
Other names: short protein forms A80T.
Identifiers: ClinVar variation 1928114 (VCV001928114.5), dbSNP rs746338249, ClinGen allele CA406295197.